The following is an entry in ClinVar:

ClinVar aggregate classification (germline): Uncertain significance. Review status: criteria provided, multiple submitters, no conflicts (2 of 4 stars). 2 submissions from 2 submitters: Uncertain significance (2). Last evaluated 2025-07-27.

Conditions:
Autosomal recessive limb-girdle muscular dystrophy type 2O. Also called: Limb-Girdle Muscular Dystrophy Type 3C; MUSCULAR DYSTROPHY-DYSTROGLYCANOPATHY (LIMB-GIRDLE), TYPE C, 3; MUSCULAR DYSTROPHY-DYSTROGLYCANOPATHY, LIMB-GIRDLE, POMGNT1-RELATED. Identifiers: Orphanet 206564, MedGen C3150417, MONDO:0013161, OMIM 613157.
Muscular dystrophy-dystroglycanopathy (congenital with impaired intellectual development), type B, 3. Also called: Muscular dystrophy-dystroglycanopathy (congenital with intellectual disability), type B3; MUSCULAR DYSTROPHY, CONGENITAL, POMGNT1-RELATED. Identifiers: MedGen C3150412, MONDO:0013155, OMIM 613151.

Allele frequency attached by ClinVar (database versions not stated): TOPMed below 0.00001.

Submissions (2):

Labcorp Genetics (formerly Invitae), Labcorp
Classification: Uncertain significance for Autosomal recessive limb-girdle muscular dystrophy type 2O; Muscular dystrophy-dystroglycanopathy (congenital with impaired intellectual development), type B, 3. Last evaluated: 2025-07-27. Review status: criteria provided, single submitter. Criteria: Invitae Variant Classification Sherloc (09022015). Collection method: clinical testing. Allele origin: germline.
Comment: This sequence change affects codon 118 of the POMGNT1 mRNA. It is a 'silent' change, meaning that it does not change the encoded amino acid sequence of the POMGNT1 protein. This variant also falls at the last nucleotide of exon 4, which is part of the consensus splice site for this exon. This variant is not present in population databases (gnomAD no frequency). This variant has not been reported in the literature in individuals affected with POMGNT1-related conditions. ClinVar contains an entry for this variant (Variation ID: 2158988). Variants that disrupt the consensus splice site are a relatively common cause of aberrant splicing (PMID: 17576681, 9536098). Algorithms developed to predict the effect of sequence changes on RNA splicing suggest that this variant may disrupt the consensus splice site. In summary, the available evidence is currently insufficient to determine the role of this variant in disease. Therefore, it has been classified as a Variant of Uncertain Significance.

GeneDx
Classification: Uncertain significance. Last evaluated: 2023-03-13. Review status: criteria provided, single submitter. Criteria: GeneDx Variant Classification Process June 2021. Collection method: clinical testing. Allele origin: germline. Affected: yes.
Comment: Not observed at significant frequency in large population cohorts (gnomAD); In silico analysis supports a deleterious effect on splicing; Has not been previously published as pathogenic or benign to our knowledge

Literature cited by the submitters: PubMed 17576681 (cited by Labcorp Genetics (formerly Invitae), Labcorp); PubMed 9536098 (cited by Labcorp Genetics (formerly Invitae), Labcorp).

NM_017739.4(POMGNT1):c.354G>A (p.Thr118=)

Gene: POMGNT1 (protein O-linked mannose N-acetylglucosaminyltransferase 1 (beta 1,2-); minus strand). Cytogenetic location: 1p34.1.
Variant type: single nucleotide variant.
Coding change: c.354G>A on transcript NM_017739.4 (MANE Select); coding-DNA position 354, G replaced by A.
Protein change: p.Thr118=; no amino-acid change (threonine 118 retained).
Molecular consequence: synonymous variant. On other transcripts: 5 prime UTR variant (1).
Genome position (GRCh38, 1-based): chr1:46,196,731, C>T on the plus strand (G>A on the coding strand, the complement: POMGNT1 is on the minus strand). VCF-style: chr1-46196731-C-T. GRCh37 (hg19) VCF-style: chr1-46662403-C-T.
Other names: c.354G>A, p.Thr118= (NM_001243766.2, NM_001410783.1); c.288G>A, p.Thr96= (NM_001290129.3); c.-76G>A (NM_001290130.2).
Identifiers: ClinVar variation 2158988 (VCV002158988.3), dbSNP rs1262087747, ClinGen allele CA417719232.